The following is an entry in ClinVar:

NM_001042492.3(NF1):c.1964dup (p.Ala656fs)

Gene: NF1 (neurofibromin 1; plus strand). Cytogenetic location: 17q11.2.
Variant type: Duplication.
Coding change: c.1964dup on transcript NM_001042492.3 (MANE Select); coding-DNA position 1964, one base duplicated (G; older notation c.1964dupG).
Protein change: p.Ala656fs; shifts the reading frame from alanine 656.
Molecular consequence: frameshift variant.
Genome position (GRCh38, 1-based): chr17:31,225,213, G duplicated; the last of 2 consecutive G bases (chr17:31,225,212-31,225,213); duplicating either gives the same sequence. VCF-style (leftmost placement, unchanged base first): chr17-31225211-T-TG. GRCh37 (hg19) VCF-style: chr17-29552229-T-TG.
Other names: c.1964dup, p.Ala656Serfs (NM_000267.4); short protein forms A656fs.
Identifiers: ClinVar variation 2830600 (VCV002830600.3), dbSNP rs2508142518, ClinGen allele CA2739267505.

ClinVar aggregate classification (germline): Pathogenic (1 of 4 stars; one submission).

Conditions:
Neurofibromatosis, type 1 (NF1). Also called: VON RECKLINGHAUSEN DISEASE; NEUROFIBROMATOSIS, TYPE I, SOMATIC; Neurofibromatosis, type I; Peripheral type neurofibromatosis. Identifiers: Orphanet 636, MedGen C0027831, MONDO:0018975, OMIM 162200. Disease mechanism: loss of function.

Submission:

Labcorp Genetics (formerly Invitae), Labcorp
Classification: Pathogenic for Neurofibromatosis, type 1. Last evaluated: 2023-01-20. Review status: criteria provided, single submitter. Criteria: Invitae Variant Classification Sherloc (09022015). Collection method: clinical testing. Allele origin: germline.
Comment: For these reasons, this variant has been classified as Pathogenic. This variant has not been reported in the literature in individuals affected with NF1-related conditions. This variant is not present in population databases (gnomAD no frequency). This sequence change creates a premature translational stop signal (p.Ala656Serfs*14) in the NF1 gene. It is expected to result in an absent or disrupted protein product. Loss-of-function variants in NF1 are known to be pathogenic (PMID: 10712197, 23913538).

Literature cited by the submitters: PubMed 10712197; PubMed 23913538.